The following is an entry in ClinVar:

ClinVar aggregate classification (germline): Uncertain significance. Review status: criteria provided, single submitter (1 of 4 stars). 2 submissions from 2 submitters: Uncertain significance (1). 1 of the submissions does not count toward it. Last evaluated 2025-01-31.

Conditions:
DYRK1B-related disorder. Also called: DYRK1B-related condition.
Inborn genetic diseases. Identifiers: MedGen C0950123, MeSH D030342.

Submissions (2):

Ambry Genetics
Classification: Uncertain significance for Inborn genetic diseases. Last evaluated: 2025-01-31. Review status: criteria provided, single submitter. Criteria: Ambry Variant Classification Scheme 2023. Collection method: clinical testing. Allele origin: germline.

PreventionGenetics, part of Exact Sciences
Classification: Uncertain significance for DYRK1B-related condition. Last evaluated: 2024-05-20. Review status: no assertion criteria provided. Collection method: clinical testing. Allele origin: germline. Not counted in ClinVar's aggregate classification.
Comment: The DYRK1B c.17G>C variant is predicted to result in the amino acid substitution p.Gly6Ala. To our knowledge, this variant has not been reported in the literature. This variant is reported in 0.0020% of alleles in individuals of European (Non-Finnish) descent in gnomAD. At this time, the clinical significance of this variant is uncertain due to the absence of conclusive functional and genetic evidence.

NM_004714.3(DYRK1B):c.17G>C (p.Gly6Ala)

Gene: DYRK1B (dual specificity tyrosine phosphorylation regulated kinase 1B; minus strand). Cytogenetic location: 19q13.2.
Variant type: single nucleotide variant.
Coding change: c.17G>C on transcript NM_004714.3 (MANE Select); coding-DNA position 17, G replaced by C.
Protein change: p.Gly6Ala; replaces glycine 6 with alanine.
Molecular consequence: missense variant.
Genome position (GRCh38, 1-based): chr19:39,831,851, C>G on the plus strand (G>C on the coding strand, the complement: DYRK1B is on the minus strand). VCF-style: chr19-39831851-C-G. GRCh37 (hg19) VCF-style: chr19-40322491-C-G.
Other names: c.17G>C, p.Gly6Ala (NM_006483.3, NM_006484.3); c.17G>C (NM_004714.1); short protein forms G6A.
Identifiers: ClinVar variation 3352860 (VCV003352860.2).
Genomic context (GRCh38, chr19:39,831,851, plus strand): 5'-AGCTGAACGCGTACCTGCGTGTGCTCCTGGGGCCCTGGGAAGCCAGAGAAGGGACCATGG[C>G]CCGGTGGGACGGCCATGGTGGGCTCAGAGGGCCGCAGGGGAGCGAGGCCTGGAGCGGGAG-3'
Protein context (NP_004705.1, residues 1-16): MAVPP[Gly6Ala]HGPFSGFPGP